The following is an entry in ClinVar:

NM_080732.4(EGLN2):c.1094C>T (p.Ala365Val)

Genes: EGLN2 (egl-9 family hypoxia inducible factor 2; plus strand), RAB4B-EGLN2 (RAB4B-EGLN2 readthrough (NMD candidate); plus strand). Cytogenetic location: 19q13.2.
Variant type: single nucleotide variant.
Coding change: c.1094C>T on transcript NM_080732.4 (MANE Select); coding-DNA position 1094, C replaced by T.
Protein change: p.Ala365Val; replaces alanine 365 with valine.
Molecular consequence: missense variant. On other transcripts: non-coding transcript variant (1).
Genome position (GRCh38, 1-based): chr19:40,807,268, C>T. VCF-style: chr19-40807268-C-T. GRCh37 (hg19) VCF-style: chr19-41313173-C-T.
Other names: c.1094C>T, p.Ala365Val (NM_053046.4); short protein forms A365V.
Identifiers: ClinVar variation 2497295 (VCV002497295.2), dbSNP rs772244173, ClinGen allele CA9452404.
Genomic context (GRCh38, chr19:40,807,268, plus strand): 5'-ACCGGTTGCTCATTTTCTGGTCTGACCGGCGGAACCCCCACGAGGTGAAGCCAGCCTATG[C>T]CACCAGGTATGACCTGTACTTCTGGAGACGCACCCAGGTGCTCCCCCTGTGACAATGTCC-3'
Protein context (NP_542770.2, residues 355-375): RNPHEVKPAY[Ala365Val]TRYAITVWYF

ClinVar aggregate classification (germline): Uncertain significance (1 of 4 stars; one submission).

Allele frequency attached by ClinVar (database versions not stated): gnomAD exomes below 0.00001; ExAC 0.00001.

Submission:

Ambry Genetics
Classification: Uncertain significance. Last evaluated: 2023-01-23. Review status: criteria provided, single submitter. Criteria: Ambry Variant Classification Scheme 2023. Collection method: clinical testing. Allele origin: germline.
Comment: The p.A365V variant (also known as c.1094C>T), located in coding exon 3 of the EGLN2 gene, results from a C to T substitution at nucleotide position 1094. The alanine at codon 365 is replaced by valine, an amino acid with similar properties. This amino acid position is conserved. In addition, this alteration is predicted to be tolerated by in silico analysis. Since supporting evidence is limited at this time, the clinical significance of this alteration remains unclear.